The following is an entry in ClinVar:

NM_000781.3(CYP11A1):c.895C>T (p.Arg299Cys)

Gene: CYP11A1 (cytochrome P450 family 11 subfamily A member 1; minus strand). Cytogenetic location: 15q24.1.
Variant type: single nucleotide variant.
Coding change: c.895C>T on transcript NM_000781.3 (MANE Select); coding-DNA position 895, C replaced by T.
Protein change: p.Arg299Cys; replaces arginine 299 with cysteine.
Molecular consequence: missense variant.
Genome position (GRCh38, 1-based): chr15:74,343,072, G>A on the plus strand (C>T on the coding strand, the complement: CYP11A1 is on the minus strand). VCF-style: chr15-74343072-G-A. GRCh37 (hg19) VCF-style: chr15-74635413-G-A.
Other names: c.421C>T, p.Arg141Cys (NM_001099773.2); short protein forms R141C, R299C.
Identifiers: ClinVar variation 1389345 (VCV001389345.5), dbSNP rs758182574, ClinGen allele CA7656442.

ClinVar aggregate classification (germline): Uncertain significance (1 of 4 stars; one submission).

Allele frequency attached by ClinVar (database versions not stated): gnomAD exomes 0.00003; ExAC 0.00004; TOPMed 0.00008; gnomAD 0.00010 and 0.00011.
gnomAD v4.1: 65 of 1,613,734 alleles (0.004%); highest among the groups gnomAD compares: African/African-American, 0.0093%; no homozygotes.

Submission:

Labcorp Genetics (formerly Invitae), Labcorp
Classification: Uncertain significance. Last evaluated: 2021-09-24. Review status: criteria provided, single submitter. Criteria: Invitae Variant Classification Sherloc (09022015). Collection method: clinical testing. Allele origin: germline.
Comment: This sequence change replaces arginine with cysteine at codon 299 of the CYP11A1 protein (p.Arg299Cys). The arginine residue is weakly conserved and there is a large physicochemical difference between arginine and cysteine. This variant is present in population databases (rs758182574, ExAC 0.007%). This variant has not been reported in the literature in individuals with CYP11A1-related conditions. Advanced modeling of protein sequence and biophysical properties (such as structural, functional, and spatial information, amino acid conservation, physicochemical variation, residue mobility, and thermodynamic stability) performed at Invitae indicates that this missense variant is not expected to disrupt CYP11A1 protein function. In summary, the available evidence is currently insufficient to determine the role of this variant in disease. Therefore, it has been classified as a Variant of Uncertain Significance.